The following is an entry in ClinVar:

ClinVar aggregate classification (germline): Likely pathogenic (3 of 4 stars; one submission).

Conditions:
Monogenic diabetes. Identifiers: Orphanet 183625, MedGen C3888631, MONDO:0015967.

Submission:

ClinGen Monogenic Diabetes Variant Curation Expert Panel
Classification: Likely pathogenic for Monogenic diabetes. Last evaluated: 2024-04-05. Review status: reviewed by expert panel. Criteria: ClinGen Diabetes ACMG Specifications HNF4A V2.0.0. Collection method: curation. Allele origin: germline. Inheritance: Autosomal dominant inheritance.
Comment: The c.309G>A variant in the hepatocyte nuclear factor 4-alpha gene, HNF4A, causes an amino acid change of methionine to isoleucine at codon 103 (p.Met103Ile)) of NM_175914.5. This variant is absent in gnomAD v2.1.1 (PM2_Supporting). It was identified in an individual with a clinical history highly specific for HNF4A-MODY (neonatal hypoglycemia that is responsive to diazoxide, negative genetic testing for ABCC8 and KCNJ11, and macrosomia in the absence of sufficient maternal hyperglycemia)(PP4_Moderate; PMID:20164212). It was also identified as a de novo occurrence with confirmed parental relationships in this individual with a clinical picture highly specific for HNF4A-MODY (PS2; PMID:20164212). This variant is located within the DNA binding domain (codons 37-113) of HNF4A, which is defined as critical for the protein's function by the ClinGen MDEP (PM1_Supporting). It is also predicted to be deleterious by computational evidence, with a REVEL score of 0.945, which is greater than the MDEP VCEP threshold of 0.70 (PP3). In summary, c.309G>A meets the criteria to be classified as likely pathogenic for monogenic diabetes. ACMG/AMP criteria applied, as specified by the ClinGen MDEP (specification version 2.0.0, approved 10/11/23): PS2, PP4_Moderate, PP3, PM1_Supporting, PM2_Supporting.

NM_175914.5(HNF4A):c.309G>A (p.Met103Ile)

Gene: HNF4A (hepatocyte nuclear factor 4 alpha; plus strand). Cytogenetic location: 20q13.12.
Variant type: single nucleotide variant.
Coding change: c.309G>A on transcript NM_175914.5 (MANE Select); coding-DNA position 309, G replaced by A.
Protein change: p.Met103Ile; replaces methionine 103 with isoleucine.
Molecular consequence: missense variant.
Genome position (GRCh38, 1-based): chr20:44,407,465, G>A. VCF-style: chr20-44407465-G-A. GRCh37 (hg19) VCF-style: chr20-43036105-G-A.
Other names: NM_175914.5:c.309G>A; c.375G>A, p.Met125Ile (NM_000457.6, NM_178849.3, NM_178850.3); c.309G>A, p.Met103Ile (NM_001030003.3, NM_001030004.3); c.354G>A, p.Met118Ile (NM_001258355.2); c.300G>A, p.Met100Ile (NM_001287182.2, NM_001287183.2, NM_001287184.2); short protein forms M100I, M103I, M118I, M125I.
Identifiers: ClinVar variation 3068529 (VCV003068529.1), dbSNP rs2515651295, ClinGen allele CA409104394.